The following is an entry in ClinVar:

ClinVar aggregate classification (germline): Conflicting classifications of pathogenicity. Review status: criteria provided, conflicting classifications (1 of 4 stars). 3 submissions from 3 submitters: Uncertain significance (1); Benign (1); Likely benign (1). Last evaluated 2025-12-16.

Conditions:
Neurofibromatosis, type 2 (SWNV). Also called: BILATERAL ACOUSTIC NEUROFIBROMATOSIS; SCHWANNOMATOSIS, VESTIBULAR; NF2-Related Schwannomatosis. Identifiers: Orphanet 637, MedGen C0027832, MONDO:0007039, OMIM 101000. Disease mechanism: loss of function.
Hereditary cancer-predisposing syndrome. Also called: Hereditary Cancer Syndrome; Neoplastic Syndromes, Hereditary; Hereditary neoplastic syndrome; Tumor predisposition. Identifiers: Orphanet 140162, MedGen C0027672, MeSH D009386, MONDO:0015356.

Allele frequency attached by ClinVar (database versions not stated): gnomAD exomes 0.00001.
gnomAD v4.1: 4 of 1,613,788 alleles (0.00025%); highest among the groups gnomAD compares: Admixed American, 0.0067%; 1 homozygote.

Submissions (3):

Labcorp Genetics (formerly Invitae), Labcorp
Classification: Likely benign for Neurofibromatosis, type 2. Last evaluated: 2025-12-16. Review status: criteria provided, single submitter. Criteria: Invitae Variant Classification Sherloc (09022015). Collection method: clinical testing. Allele origin: germline.

All of Us Research Program, National Institutes of Health
Classification: Uncertain significance for Neurofibromatosis, type 2. Last evaluated: 2024-02-05. Review status: criteria provided, single submitter. Criteria: ACMG Guidelines, 2015. Collection method: clinical testing. Allele origin: germline. Inheritance: Autosomal dominant inheritance. Observed: 1 variant allele, 1 heterozygote.
Comment: This variant causes a T to C nucleotide substitution at the +4 position of intron 7 of the NF2 gene. To our knowledge, functional studies have not been reported for this variant. This variant has not been reported in individuals affected with NF2-related disorders in the literature. This variant has been identified in 3/251438 chromosomes in the general population by the Genome Aggregation Database (gnomAD). The available evidence is insufficient to determine the role of this variant in disease conclusively. Therefore, this variant is classified as a Variant of Uncertain Significance.

This study involves interpretation of variants in research participants for the purpose of population health screening. Participant phenotype was not available at the time of variant classification. Additional details can be found in publication PMID: 35346344, PMCID: PMC8962531

Ambry Genetics
Classification: Benign for Hereditary cancer-predisposing syndrome. Last evaluated: 2023-05-15. Review status: criteria provided, single submitter. Criteria: Ambry Variant Classification Scheme 2023. Collection method: clinical testing. Allele origin: germline.

NM_000268.4(NF2):c.675+4T>C

Gene: NF2 (NF2, moesin-ezrin-radixin like (MERLIN) tumor suppressor; plus strand). Cytogenetic location: 22q12.2.
Variant type: single nucleotide variant.
Coding change: c.675+4T>C on transcript NM_000268.4 (MANE Select); 4 bases into the intron after coding-DNA position 675, T replaced by C.
Molecular consequence: intron variant.
Genome position (GRCh38, 1-based): chr22:29,658,268, T>C. VCF-style: chr22-29658268-T-C. GRCh37 (hg19) VCF-style: chr22-30054257-T-C.
Other names: c.549+4T>C (NM_181828.3); c.426+4T>C (NM_181830.3, NM_181831.3); c.675+4T>C (NM_181825.3, NM_000268.3, NM_016418.5 and 1 more transcripts); c.447+15983T>C (NM_181833.3); c.552+4T>C (NM_181829.3).
Identifiers: ClinVar variation 1433382 (VCV001433382.11), dbSNP rs1306740609, ClinGen allele CA638992472.